The following is an entry in ClinVar:

NM_001201543.2(FAM161A):c.344A>G (p.Lys115Arg)

Gene: FAM161A (FAM161 centrosomal protein A; minus strand). Cytogenetic location: 2p15.
Variant type: single nucleotide variant.
Coding change: c.344A>G on transcript NM_001201543.2 (MANE Select); coding-DNA position 344, A replaced by G.
Protein change: p.Lys115Arg; replaces lysine 115 with arginine.
Molecular consequence: missense variant. On other transcripts: non-coding transcript variant (1).
Genome position (GRCh38, 1-based): chr2:61,842,200, T>C on the plus strand (A>G on the coding strand, the complement: FAM161A is on the minus strand). VCF-style: chr2-61842200-T-C. GRCh37 (hg19) VCF-style: chr2-62069335-T-C.
Other names: c.344A>G, p.Lys115Arg (NM_032180.3); c.344A>G (NM_001201543.1); short protein forms K115R.
Identifiers: ClinVar variation 2416027 (VCV002416027.4), dbSNP rs970081194, ClinGen allele CA48478666.

ClinVar aggregate classification (germline): Uncertain significance. Review status: criteria provided, multiple submitters, no conflicts (2 of 4 stars). 2 submissions from 2 submitters: Uncertain significance (2). Last evaluated 2025-08-22.

Conditions:
Inborn genetic diseases. Identifiers: MedGen C0950123, MeSH D030342.

Allele frequency attached by ClinVar (database versions not stated): gnomAD exomes below 0.00001; TOPMed 0.00001.
gnomAD v4.1: 4 of 1,614,010 alleles (0.00025%); highest among the groups gnomAD compares: Admixed American, 0.0033%; no homozygotes.

Submissions (2):

Ambry Genetics
Classification: Uncertain significance for Inborn genetic diseases. Last evaluated: 2025-08-22. Review status: criteria provided, single submitter. Criteria: Ambry Variant Classification Scheme 2023. Collection method: clinical testing. Allele origin: germline.

Labcorp Genetics (formerly Invitae), Labcorp
Classification: Uncertain significance. Last evaluated: 2022-08-19. Review status: criteria provided, single submitter. Criteria: Invitae Variant Classification Sherloc (09022015). Collection method: clinical testing. Allele origin: germline.
Comment: This sequence change replaces lysine, which is basic and polar, with arginine, which is basic and polar, at codon 115 of the FAM161A protein (p.Lys115Arg). This variant is not present in population databases (gnomAD no frequency). This variant has not been reported in the literature in individuals affected with FAM161A-related conditions. Algorithms developed to predict the effect of missense changes on protein structure and function are either unavailable or do not agree on the potential impact of this missense change (SIFT: "Tolerated"; PolyPhen-2: "Possibly Damaging"; Align-GVGD: "Class C0"). In summary, the available evidence is currently insufficient to determine the role of this variant in disease. Therefore, it has been classified as a Variant of Uncertain Significance.